The following is an entry in ClinVar:

NM_001312673.2(PCYT1A):c.204C>T (p.Ser68=)

Gene: PCYT1A (phosphate cytidylyltransferase 1A, choline; minus strand). Cytogenetic location: 3q29.
Variant type: single nucleotide variant.
Coding change: c.204C>T on transcript NM_001312673.2 (MANE Select); coding-DNA position 204, C replaced by T.
Protein change: p.Ser68=; no amino-acid change (serine 68 retained).
Molecular consequence: synonymous variant.
Genome position (GRCh38, 1-based): chr3:196,257,801, G>A on the plus strand (C>T on the coding strand, the complement: PCYT1A is on the minus strand). VCF-style: chr3-196257801-G-A. GRCh37 (hg19) VCF-style: chr3-195984672-G-A.
Other names: c.204C>T (NM_005017.3); c.204C>T, p.Ser68= (NM_005017.4).
Identifiers: ClinVar variation 1655602 (VCV001655602.11), dbSNP rs138930531, ClinGen allele CA2779607.

ClinVar aggregate classification (germline): Likely benign. Review status: criteria provided, multiple submitters, no conflicts (2 of 4 stars). 3 submissions from 3 submitters: Likely benign (2). 1 of the submissions does not count toward it. Last evaluated 2024-12-02.

Conditions:
PCYT1A-related disorder. Also called: PCYT1A-related condition.

Allele frequency attached by ClinVar (database versions not stated): gnomAD exomes 0.00002; TOPMed 0.00002; gnomAD 0.00003 and 0.00004; ExAC 0.00004; ESP Exome Variant Server 0.00008.
gnomAD v4.1: 78 of 1,596,242 alleles (0.0049%); highest among the groups gnomAD compares: Non-Finnish European, 0.0064%; no homozygotes.

Submissions (3):

Labcorp Genetics (formerly Invitae), Labcorp
Classification: Likely benign. Last evaluated: 2024-12-02. Review status: criteria provided, single submitter. Criteria: Invitae Variant Classification Sherloc (09022015). Collection method: clinical testing. Allele origin: germline.

Blueprint Genetics
Classification: Likely benign. Last evaluated: 2023-05-19. Review status: criteria provided, single submitter. Criteria: ACMG Guidelines, 2015. Collection method: clinical testing. Allele origin: germline.

PreventionGenetics, part of Exact Sciences
Classification: Likely benign for PCYT1A-related condition. Last evaluated: 2020-02-14. Review status: no assertion criteria provided. Collection method: clinical testing. Allele origin: germline. Not counted in ClinVar's aggregate classification.
Comment: This variant is classified as likely benign based on ACMG/AMP sequence variant interpretation guidelines (Richards et al. 2015 PMID: 25741868, with internal and published modifications).